The following is an entry in ClinVar:

NM_000122.2(ERCC3):c.1462C>A (p.Leu488Ile)

Gene: ERCC3 (ERCC excision repair 3, TFIIH core complex helicase subunit; minus strand). Cytogenetic location: 2q14.3.
Variant type: single nucleotide variant.
Coding change: c.1462C>A on transcript NM_000122.2 (MANE Select); coding-DNA position 1462, C replaced by A.
Protein change: p.Leu488Ile; replaces leucine 488 with isoleucine.
Molecular consequence: missense variant.
Genome position (GRCh38, 1-based): chr2:127,280,512, G>T on the plus strand (C>A on the coding strand, the complement: ERCC3 is on the minus strand). VCF-style: chr2-127280512-G-T. GRCh37 (hg19) VCF-style: chr2-128038088-G-T.
Other names: c.1270C>A, p.Leu424Ile (NM_001303416.2, NM_001303418.2); short protein forms L424I, L488I.
Identifiers: ClinVar variation 1987443 (VCV001987443.5), dbSNP rs1304706419, ClinGen allele CA348389187.

ClinVar aggregate classification (germline): Uncertain significance. Review status: criteria provided, multiple submitters, no conflicts (2 of 4 stars). 2 submissions from 2 submitters: Uncertain significance (2). Last evaluated 2025-10-29.

Conditions:
Inborn genetic diseases. Identifiers: MedGen C0950123, MeSH D030342.

Allele frequency attached by ClinVar (database versions not stated): TOPMed 0.00001.
gnomAD v4.1: 10 of 1,613,914 alleles (0.00062%); highest among the groups gnomAD compares: Admixed American, 0.0017%; no homozygotes.

Submissions (2):

Ambry Genetics
Classification: Uncertain significance for Inborn genetic diseases. Last evaluated: 2025-10-29. Review status: criteria provided, single submitter. Criteria: Ambry Variant Classification Scheme 2023. Collection method: clinical testing. Allele origin: germline.

Labcorp Genetics (formerly Invitae), Labcorp
Classification: Uncertain significance. Last evaluated: 2022-07-20. Review status: criteria provided, single submitter. Criteria: Invitae Variant Classification Sherloc (09022015). Collection method: clinical testing. Allele origin: germline.
Comment: This variant has not been reported in the literature in individuals affected with ERCC3-related conditions. This variant is present in population databases (no rsID available, gnomAD 0.002%). This sequence change replaces leucine, which is neutral and non-polar, with isoleucine, which is neutral and non-polar, at codon 488 of the ERCC3 protein (p.Leu488Ile). Algorithms developed to predict the effect of missense changes on protein structure and function (SIFT, PolyPhen-2, Align-GVGD) all suggest that this variant is likely to be tolerated. In summary, the available evidence is currently insufficient to determine the role of this variant in disease. Therefore, it has been classified as a Variant of Uncertain Significance.